The following is an entry in ClinVar:

NM_004656.4(BAP1):c.931+4C>T

Gene: BAP1 (BRCA1 associated deubiquitinase 1; minus strand). Cytogenetic location: 3p21.1.
Variant type: single nucleotide variant.
Coding change: c.931+4C>T on transcript NM_004656.4 (MANE Select); 4 bases into the intron after coding-DNA position 931, C replaced by T.
Molecular consequence: intron variant.
Genome position (GRCh38, 1-based): chr3:52,405,761, G>A on the plus strand (C>T on the coding strand, the complement: BAP1 is on the minus strand). VCF-style: chr3-52405761-G-A. GRCh37 (hg19) VCF-style: chr3-52439777-G-A.
Other names: c.931+4C>T (NM_004656.2).
Identifiers: ClinVar variation 1365277 (VCV001365277.9), dbSNP rs1559589067, ClinGen allele CA2573137334.

ClinVar aggregate classification (germline): Uncertain significance. Review status: criteria provided, multiple submitters, no conflicts (2 of 4 stars). 2 submissions from 2 submitters: Uncertain significance (2). Last evaluated 2024-03-16.

Conditions:
Hereditary cancer-predisposing syndrome. Also called: Neoplastic Syndromes, Hereditary; Tumor predisposition; Hereditary neoplastic syndrome; Hereditary Cancer Syndrome. Identifiers: Orphanet 140162, MedGen C0027672, MeSH D009386, MONDO:0015356.
BAP1-related tumor predisposition syndrome (TPDS1). Also called: TUMOR PREDISPOSITION SYNDROME 1; Tumor susceptibility linked to germline BAP1 mutations; BAP1 tumor predisposition syndrome; COMMON Syndrome. Identifiers: Orphanet 289539, MedGen C3280492, MONDO:0013692, OMIM 614327.

gnomAD v4.1: 1 of 1,612,952 alleles (0.000062%); highest among the groups gnomAD compares: Non-Finnish European, 0.000085%; no homozygotes.

Submissions (2):

Ambry Genetics
Classification: Uncertain significance for Hereditary cancer-predisposing syndrome. Last evaluated: 2024-03-16. Review status: criteria provided, single submitter. Criteria: Ambry Variant Classification Scheme 2023. Collection method: clinical testing. Allele origin: germline.
Comment: The c.931+4C>T intronic variant results from a C to T substitution 4 nucleotides after coding exon 10 in the BAP1 gene. This nucleotide position is well conserved in available vertebrate species. In silico splice site analysis predicts that this alteration will not have any significant effect on splicing. Based on the available evidence, the clinical significance of this alteration remains unclear.

Labcorp Genetics (formerly Invitae), Labcorp
Classification: Uncertain significance for BAP1-related tumor predisposition syndrome. Last evaluated: 2020-11-24. Review status: criteria provided, single submitter. Criteria: Invitae Variant Classification Sherloc (09022015). Collection method: clinical testing. Allele origin: germline.
Comment: In summary, the available evidence is currently insufficient to determine the role of this variant in disease. Therefore, it has been classified as a Variant of Uncertain Significance. Nucleotide substitutions within the consensus splice site are a relatively common cause of aberrant splicing (PMID: 17576681, 9536098). Algorithms developed to predict the effect of sequence changes on RNA splicing suggest that this variant is not likely to affect RNA splicing, but this prediction has not been confirmed by published transcriptional studies. This variant has not been reported in the literature in individuals with BAP1-related conditions. This variant is not present in population databases (ExAC no frequency). This sequence change falls in intron 10 of the BAP1 gene. It does not directly change the encoded amino acid sequence of the BAP1 protein. It affects a nucleotide within the consensus splice site of the intron.

Literature cited by the submitters: PubMed 17576681 (cited by Labcorp Genetics (formerly Invitae), Labcorp); PubMed 9536098 (cited by Labcorp Genetics (formerly Invitae), Labcorp).